The following is an entry in ClinVar:

NM_005458.8(GABBR2):c.858G>C (p.Glu286Asp)

Gene: GABBR2 (gamma-aminobutyric acid type B receptor subunit 2; minus strand). Cytogenetic location: 9q22.33.
Variant type: single nucleotide variant.
Coding change: c.858G>C on transcript NM_005458.8 (MANE Select); coding-DNA position 858, G replaced by C.
Protein change: p.Glu286Asp; replaces glutamic acid 286 with aspartic acid.
Molecular consequence: missense variant.
Genome position (GRCh38, 1-based): chr9:98,473,287, C>G on the plus strand (G>C on the coding strand, the complement: GABBR2 is on the minus strand). VCF-style: chr9-98473287-C-G. GRCh37 (hg19) VCF-style: chr9-101235569-C-G.
Other names: short protein forms E286D.
Identifiers: ClinVar variation 4745036 (VCV004745036.1).
Genomic context (GRCh38, chr9:98,473,287, plus strand): 5'-ATTCTTCCGGAGGCAGCGGGATGAGTTGGCTTCCGTGTGCACCTGCTCCCACCAAGAAGG[C>G]TCGTACCAGCCCGGAATGATCCACTGATATTTACTACCATACATGTTCTCCTCGTATGCC-3'
Protein context (NP_005449.5, residues 276-296): KYQWIIPGWY[Glu286Asp]PSWWEQVHTE

ClinVar aggregate classification (germline): Uncertain significance (1 of 4 stars; one submission).

Conditions:
Epileptic encephalopathy. Identifiers: MedGen C0543888, HP:0200134.

Submission:

Labcorp Genetics (formerly Invitae), Labcorp
Classification: Uncertain significance for Epileptic encephalopathy. Last evaluated: 2025-12-30. Review status: criteria provided, single submitter. Criteria: Invitae Variant Classification Sherloc (09022015). Collection method: clinical testing. Allele origin: germline.
Comment: This sequence change replaces glutamic acid, which is acidic and polar, with aspartic acid, which is acidic and polar, at codon 286 of the GABBR2 protein (p.Glu286Asp). This variant is not present in population databases (gnomAD no frequency). This variant has not been reported in the literature in individuals affected with GABBR2-related conditions. Invitae Evidence Modeling of protein sequence and biophysical properties (such as structural, functional, and spatial information, amino acid conservation, physicochemical variation, residue mobility, and thermodynamic stability) indicates that this missense variant is not expected to disrupt GABBR2 protein function with a negative predictive value of 80%. In summary, the available evidence is currently insufficient to determine the role of this variant in disease. Therefore, it has been classified as a Variant of Uncertain Significance.